The following is an entry in ClinVar:

ClinVar aggregate classification (germline): Uncertain significance (1 of 4 stars; one submission).

Conditions:
Hereditary cancer-predisposing syndrome. Also called: Hereditary neoplastic syndrome; Hereditary Cancer Syndrome; Neoplastic Syndromes, Hereditary; Tumor predisposition. Identifiers: Orphanet 140162, MedGen C0027672, MeSH D009386, MONDO:0015356.

Allele frequency attached by ClinVar (database versions not stated): TOPMed below 0.00001.

Submission:

Color Diagnostics, LLC DBA Color Health
Classification: Uncertain significance for Hereditary cancer-predisposing syndrome. Last evaluated: 2021-08-31. Review status: criteria provided, single submitter. Criteria: ACMG Guidelines, 2015. Collection method: clinical testing. Allele origin: germline.
Comment: This missense variant replaces serine with asparagine at codon 275 of the MSH6 protein. Computational prediction suggests that this variant may not impact protein structure and function (internally defined REVEL score threshold <= 0.5, PMID: 27666373). To our knowledge, functional studies have not been reported for this variant. This variant has not been reported in individuals affected with hereditary cancer in the literature. This variant has not been identified in the general population by the Genome Aggregation Database (gnomAD). The available evidence is insufficient to determine the role of this variant in disease conclusively. Therefore, this variant is classified as a Variant of Uncertain Significance.

NM_000179.3(MSH6):c.824G>A (p.Ser275Asn)

Gene: MSH6 (mutS homolog 6; plus strand). Cytogenetic location: 2p16.3.
Variant type: single nucleotide variant.
Coding change: c.824G>A on transcript NM_000179.3 (MANE Select); coding-DNA position 824, G replaced by A.
Protein change: p.Ser275Asn; replaces serine 275 with asparagine.
Molecular consequence: missense variant. On other transcripts: 5 prime UTR variant (9), non-coding transcript variant (4), intron variant (1).
Genome position (GRCh38, 1-based): chr2:47,798,807, G>A. VCF-style: chr2-47798807-G-A. GRCh37 (hg19) VCF-style: chr2-48025946-G-A.
Other names: c.434G>A, p.Ser145Asn (NM_001281492.2); c.-83G>A (NM_001281493.2, NM_001281494.2, NM_001406811.1 and 6 more transcripts); c.920G>A, p.Ser307Asn (NM_001406795.1, NM_001406802.1); c.824G>A, p.Ser275Asn (NM_001406796.1, NM_001406798.1, NM_001406800.1 and 4 more transcripts); c.527G>A, p.Ser176Asn (NM_001406797.1, NM_001406801.1, NM_001406805.1 and 10 more transcripts); c.299G>A, p.Ser100Asn (NM_001406799.1, NM_001406806.1, NM_001406807.1); c.746G>A, p.Ser249Asn (NM_001406804.1); c.830G>A, p.Ser277Asn (NM_001406813.1); and 2 more; short protein forms S100N, S176N, S307N, S145N, S277N, S219N, S249N, S275N.
Identifiers: ClinVar variation 2773632 (VCV002773632.2), dbSNP rs774586054, ClinGen allele CA346740436.
Genomic context (GRCh38, chr2:47,798,807, plus strand): 5'-AGAGTGACATTGGTGGCTCTGATGTGGAATTTAAGCCAGACACTAAGGAGGAAGGAAGCA[G>A]TGATGAAATAAGCAGTGGAGTGGGGGATAGTGAGAGTGAAGGCCTGAACAGCCCTGTCAA-3'
Protein context (NP_000170.1, residues 265-285): FKPDTKEEGS[Ser275Asn]DEISSGVGDS